The following is an entry in ClinVar:

ClinVar aggregate classification (germline): Uncertain significance (1 of 4 stars; one submission).

Conditions:
Fanconi anemia (FA). Also called: Fanconi's anemia. Identifiers: Orphanet 84, MedGen C0015625, MeSH D005199, MONDO:0019391.

Allele frequency attached by ClinVar (database versions not stated): gnomAD exomes below 0.00001; ExAC 0.00001; gnomAD 0.00001; TOPMed 0.00001.
gnomAD v4.1: 3 of 1,613,920 alleles (0.00019%); highest among the groups gnomAD compares: Non-Finnish European, 0.00025%; no homozygotes.

Submission:

Labcorp Genetics (formerly Invitae), Labcorp
Classification: Uncertain significance for Fanconi anemia. Last evaluated: 2022-07-06. Review status: criteria provided, single submitter. Criteria: Invitae Variant Classification Sherloc (09022015). Collection method: clinical testing. Allele origin: germline.
Comment: This sequence change replaces leucine, which is neutral and non-polar, with valine, which is neutral and non-polar, at codon 6 of the FANCI protein (p.Leu6Val). This variant is present in population databases (rs748018574, gnomAD 0.0009%). This variant has not been reported in the literature in individuals affected with FANCI-related conditions. ClinVar contains an entry for this variant (Variation ID: 1465747). Algorithms developed to predict the effect of missense changes on protein structure and function (SIFT, PolyPhen-2, Align-GVGD) all suggest that this variant is likely to be tolerated. In summary, the available evidence is currently insufficient to determine the role of this variant in disease. Therefore, it has been classified as a Variant of Uncertain Significance.

NM_001113378.2(FANCI):c.16T>G (p.Leu6Val)

Gene: FANCI (FA complementation group I; plus strand). Cytogenetic location: 15q26.1.
Variant type: single nucleotide variant.
Coding change: c.16T>G on transcript NM_001113378.2 (MANE Select); coding-DNA position 16, T replaced by G.
Protein change: p.Leu6Val; replaces leucine 6 with valine.
Molecular consequence: missense variant. On other transcripts: 5 prime UTR variant (1).
Genome position (GRCh38, 1-based): chr15:89,247,663, T>G. VCF-style: chr15-89247663-T-G. GRCh37 (hg19) VCF-style: chr15-89790894-T-G.
Other names: c.-259T>G (NM_001376910.1); c.16T>G, p.Leu6Val (NM_001376911.1, NM_018193.3); short protein forms L6V.
Identifiers: ClinVar variation 1465747 (VCV001465747.5), dbSNP rs748018574, ClinGen allele CA7722464.